The following is an entry in ClinVar:

NM_012301.4(MAGI2):c.945G>C (p.Lys315Asn)

Gene: MAGI2 (membrane associated guanylate kinase, WW and PDZ domain containing 2; minus strand). Cytogenetic location: 7q21.11.
Variant type: single nucleotide variant.
Coding change: c.945G>C on transcript NM_012301.4 (MANE Select); coding-DNA position 945, G replaced by C.
Protein change: p.Lys315Asn; replaces lysine 315 with asparagine.
Molecular consequence: missense variant.
Genome position (GRCh38, 1-based): chr7:78,501,597, C>G on the plus strand (G>C on the coding strand, the complement: MAGI2 is on the minus strand). VCF-style: chr7-78501597-C-G. GRCh37 (hg19) VCF-style: chr7-78130914-C-G.
Other names: c.945G>C, p.Lys315Asn (NM_001301128.2); short protein forms K315N.
Identifiers: ClinVar variation 4050688 (VCV004050688.1).

ClinVar aggregate classification (germline): Uncertain significance (1 of 4 stars; one submission).

gnomAD v4.1: 3 of 1,613,992 alleles (0.00019%); highest among the groups gnomAD compares: Non-Finnish European, 0.00017%; no homozygotes.

Submission:

Ambry Genetics
Classification: Uncertain significance. Last evaluated: 2025-04-15. Review status: criteria provided, single submitter. Criteria: Ambry Variant Classification Scheme 2023. Collection method: clinical testing. Allele origin: germline.
Comment: Does not currently meet published gene-disease clinical validity criteria Based on insufficient or conflicting evidence, the clinical significance of this alteration remains unclear.

Literature cited by the submitters: PubMed 28106320.